The following is an entry in ClinVar:

NM_003978.5(PSTPIP1):c.833C>T (p.Pro278Leu)

Gene: PSTPIP1 (proline-serine-threonine phosphatase interacting protein 1; plus strand). Cytogenetic location: 15q24.3.
Variant type: single nucleotide variant.
Coding change: c.833C>T on transcript NM_003978.5 (MANE Select); coding-DNA position 833, C replaced by T.
Protein change: p.Pro278Leu; replaces proline 278 with leucine.
Molecular consequence: missense variant.
Genome position (GRCh38, 1-based): chr15:77,032,389, C>T. VCF-style: chr15-77032389-C-T. GRCh37 (hg19) VCF-style: chr15-77324730-C-T.
Other names: c.833C>T, p.Pro278Leu (NM_001321135.2, NM_001411086.1); c.806C>T, p.Pro269Leu (NM_001321136.2); c.1028C>T, p.Pro343Leu (NM_001321137.1); short protein forms P269L, P278L, P343L.
Identifiers: ClinVar variation 3714934 (VCV003714934.2).

ClinVar aggregate classification (germline): Uncertain significance (1 of 4 stars; one submission).

Conditions:
Pyogenic arthritis-pyoderma gangrenosum-acne syndrome (PAPA). Also called: FAMILIAL RECURRENT ARTHRITIS; PAPA SYNDROME. Identifiers: Orphanet 69126, MedGen C1858361, MONDO:0011462, OMIM 604416.

gnomAD v4.1: 2 of 1,612,676 alleles (0.00012%); highest among the groups gnomAD compares: South Asian, 0.0011%; no homozygotes.

Submission:

Labcorp Genetics (formerly Invitae), Labcorp
Classification: Uncertain significance for Pyogenic arthritis-pyoderma gangrenosum-acne syndrome. Last evaluated: 2024-07-29. Review status: criteria provided, single submitter. Criteria: Invitae Variant Classification Sherloc (09022015). Collection method: clinical testing. Allele origin: germline.
Comment: This sequence change replaces proline, which is neutral and non-polar, with leucine, which is neutral and non-polar, at codon 278 of the PSTPIP1 protein (p.Pro278Leu). This variant is not present in population databases (gnomAD no frequency). This variant has not been reported in the literature in individuals affected with PSTPIP1-related conditions. Advanced modeling of protein sequence and biophysical properties (such as structural, functional, and spatial information, amino acid conservation, physicochemical variation, residue mobility, and thermodynamic stability) performed at Invitae indicates that this missense variant is not expected to disrupt PSTPIP1 protein function with a negative predictive value of 80%. In summary, the available evidence is currently insufficient to determine the role of this variant in disease. Therefore, it has been classified as a Variant of Uncertain Significance.